The following is an entry in ClinVar:

ClinVar aggregate classification (germline): Uncertain significance (1 of 4 stars; one submission).

gnomAD v4.1: 31 of 1,609,066 alleles (0.0019%); highest among the groups gnomAD compares: Non-Finnish European, 0.0026%; no homozygotes.

Submission:

Ambry Genetics
Classification: Uncertain significance. Last evaluated: 2026-04-15. Review status: criteria provided, single submitter. Criteria: Ambry Variant Classification Scheme 2023. Collection method: clinical testing. Allele origin: germline.
Comment: The c.2056A>T (p.N686Y) alteration is located in exon 7 (coding exon 6) of the ATF7IP gene. This alteration results from a A to T substitution at nucleotide position 2056, causing the asparagine (N) at amino acid position 686 to be replaced by a tyrosine (Y). Based on data from gnomAD, the T allele has an overall frequency of 0.001% (3/280988) total alleles studied. The highest observed frequency was 0.002% (3/128592) of European (non-Finnish) alleles. Based on insufficient or conflicting evidence, the clinical significance of this alteration remains unclear.

NM_018179.5(ATF7IP):c.2056A>T (p.Asn686Tyr)

Gene: ATF7IP (activating transcription factor 7 interacting protein; plus strand). Cytogenetic location: 12p13.1.
Variant type: single nucleotide variant.
Coding change: c.2056A>T on transcript NM_018179.5 (MANE Select); coding-DNA position 2056, A replaced by T.
Protein change: p.Asn686Tyr; replaces asparagine 686 with tyrosine.
Molecular consequence: missense variant. On other transcripts: non-coding transcript variant (1).
Genome position (GRCh38, 1-based): chr12:14,456,621, A>T. VCF-style: chr12-14456621-A-T. GRCh37 (hg19) VCF-style: chr12-14609555-A-T.
Other names: c.2053A>T, p.Asn685Tyr (NM_001286514.2, NM_001286515.2, NM_001388184.1); c.2077A>T, p.Asn693Tyr (NM_001388179.1); c.2056A>T, p.Asn686Tyr (NM_001388180.1, NM_001388181.1, NM_001388182.1 and 1 more transcripts); c.2080A>T, p.Asn694Tyr (NM_181352.2); short protein forms N685Y, N686Y, N693Y, N694Y.
Identifiers: ClinVar variation 4865267 (VCV004865267.1).